The following is an entry in ClinVar:

ClinVar aggregate classification (germline): Pathogenic (1 of 4 stars; one submission).

Submission:

Labcorp Genetics (formerly Invitae), Labcorp
Classification: Pathogenic. Last evaluated: 2022-12-21. Review status: criteria provided, single submitter. Criteria: Invitae Variant Classification Sherloc (09022015). Collection method: clinical testing. Allele origin: germline.
Comment: This sequence change creates a premature translational stop signal (p.Tyr232*) in the LAMB3 gene. It is expected to result in an absent or disrupted protein product. Loss-of-function variants in LAMB3 are known to be pathogenic (PMID: 11023379, 16473856). For these reasons, this variant has been classified as Pathogenic. This variant has not been reported in the literature in individuals affected with LAMB3-related conditions. This variant is not present in population databases (gnomAD no frequency).

Literature cited by the submitters: PubMed 11023379; PubMed 16473856.

NM_000228.3(LAMB3):c.696C>A (p.Tyr232Ter)

Gene: LAMB3 (laminin subunit beta 3; minus strand). Cytogenetic location: 1q32.2.
Variant type: single nucleotide variant.
Coding change: c.696C>A on transcript NM_000228.3 (MANE Select); coding-DNA position 696, C replaced by A.
Protein change: p.Tyr232Ter; replaces tyrosine 232 with a stop codon.
Molecular consequence: nonsense.
Genome position (GRCh38, 1-based): chr1:209,632,709, G>T on the plus strand (C>A on the coding strand, the complement: LAMB3 is on the minus strand). VCF-style: chr1-209632709-G-T. GRCh37 (hg19) VCF-style: chr1-209806054-G-T.
Other names: c.696C>A, p.Tyr232Ter (NM_001017402.2, NM_001127641.1); short protein forms Y232*.
Identifiers: ClinVar variation 2822884 (VCV002822884.3), dbSNP rs1013432566, ClinGen allele CA344594709.